The following is an entry in ClinVar:

NM_001267550.2(TTN):c.43195_43198del (p.Ala14399fs)

Gene: TTN (titin; minus strand). Cytogenetic location: 2q31.2.
Variant type: Deletion.
Coding change: c.43195_43198del on transcript NM_001267550.2 (MANE Select); coding-DNA positions 43195 to 43198, 4 bases deleted (GCCA; older notation c.43195_43198delGCCA).
Protein change: p.Ala14399fs; shifts the reading frame from alanine 14399.
Molecular consequence: frameshift variant.
Genome position (GRCh38, 1-based): chr2:178,632,933-178,632,936, TGGC deleted on the plus strand (GCCA on the coding strand, the reverse complement: TTN is on the minus strand); deleting any 4 consecutive bases within chr2:178,632,933-178,632,938 gives the same sequence; the c. name uses the placement nearest the transcript's 3' end. VCF-style (leftmost placement, unchanged base first): chr2-178632932-TTGGC-T. GRCh37 (hg19) VCF-style: chr2-179497659-TTGGC-T.
Other names: c.38272_38275del, p.Ala12758fs (NM_001256850.1); c.16000_16003del, p.Ala5334fs (NM_003319.4); c.35491_35494del, p.Ala11831fs (NM_133378.4); c.16375_16378del, p.Ala5459fs (NM_133432.3); c.16576_16579del, p.Ala5526fs (NM_133437.4); short protein forms A14399fs, A5334fs, A11831fs, A5526fs, A12758fs, A5459fs.
Identifiers: ClinVar variation 2032246 (VCV002032246.4), dbSNP rs2471485313, ClinGen allele CA2580065134.

ClinVar aggregate classification (germline): Likely pathogenic (1 of 4 stars; one submission).

Conditions:
Dilated cardiomyopathy 1G (CMD1G). Identifiers: Orphanet 154, MedGen C1858763, MONDO:0011400, OMIM 604145.
Autosomal recessive limb-girdle muscular dystrophy type 2J (LGMDR10). Also called: Limb-girdle muscular dystrophy, type 2J; MUSCULAR DYSTROPHY, LIMB-GIRDLE, AUTOSOMAL RECESSIVE 10. Identifiers: Orphanet 140922, MedGen C1837342, MONDO:0012127, OMIM 608807.

Submission:

Labcorp Genetics (formerly Invitae), Labcorp
Classification: Likely pathogenic for Dilated cardiomyopathy 1G; Autosomal recessive limb-girdle muscular dystrophy type 2J. Last evaluated: 2024-06-24. Review status: criteria provided, single submitter. Criteria: Invitae Variant Classification Sherloc (09022015). Collection method: clinical testing. Allele origin: germline.
Comment: This sequence change creates a premature translational stop signal (p.Ala14399Ilefs*2) in the TTN gene. While this is not anticipated to result in nonsense mediated decay, it is expected to create a truncated TTN protein. This variant is not present in population databases (gnomAD no frequency). This variant has not been reported in the literature in individuals affected with TTN-related conditions. ClinVar contains an entry for this variant (Variation ID: 2032246). This variant is located in the I band of TTN (PMID: 25589632). Truncating variants in this region have been reported in individuals affected with autosomal recessive centronuclear myopathy (PMID: 23975875, Invitae internal data). Truncating variants in this region have also been identified in individuals affected with autosomal dominant dilated cardiomyopathy and/or cardio-related conditions (PMID: 27869827, 32964742, Invitae internal data). In summary, the currently available evidence indicates that the variant is pathogenic, but additional data are needed to prove that conclusively. Therefore, this variant has been classified as Likely Pathogenic.

Literature cited by the submitters: PubMed 25589632; PubMed 23975875; PubMed 27869827; PubMed 32964742.